The following is an entry in ClinVar:

ClinVar aggregate classification (germline): Pathogenic. Review status: criteria provided, multiple submitters, no conflicts (2 of 4 stars). 4 submissions from 4 submitters: Pathogenic (2). 2 of the submissions do not count toward it. Last evaluated 2026-01-08.

Conditions:
Retinitis pigmentosa 55 (RP55). Identifiers: Orphanet 791, MedGen C3150808, MONDO:0013312, OMIM 613575.
Bardet-Biedl syndrome 3 (BBS3). Identifiers: Orphanet 110, MedGen C1859564, MONDO:0010832, OMIM 600151.
Retinal dystrophy. Also called: Inherited retinal dystrophy. Identifiers: Orphanet 71862, MedGen C0854723, MeSH D058499, MONDO:0019118, HP:0000556.
Bardet-Biedl syndrome (BBS). Identifiers: Orphanet 110, MedGen C0752166, MONDO:0015229.

Allele frequency attached by ClinVar (database versions not stated): ExAC 0.00001; gnomAD exomes 0.00001; TOPMed 0.00001.

Submissions (4):

Labcorp Genetics (formerly Invitae), Labcorp
Classification: Pathogenic for Retinitis pigmentosa 55; Bardet-Biedl syndrome 3. Last evaluated: 2026-01-08. Review status: criteria provided, single submitter. Criteria: Invitae Variant Classification Sherloc (09022015). Collection method: clinical testing. Allele origin: germline.
Comment: This sequence change creates a premature translational stop signal (p.Arg122*) in the ARL6 gene. It is expected to result in an absent or disrupted protein product. Loss-of-function variants in ARL6 are known to be pathogenic (PMID: 15258860, 19858128, 20142850, 22334370, 27486776, 31736247). This variant is present in population databases (rs104893678, gnomAD 0.01%). This premature translational stop signal has been observed in individual(s) with Bardet-Biedl syndrome (PMID: 15258860, 31456290). It has also been observed to segregate with disease in related individuals. ClinVar contains an entry for this variant (Variation ID: 2040). For these reasons, this variant has been classified as Pathogenic.

Institute of Human Genetics, Univ. Regensburg, Univ. Regensburg
Classification: Pathogenic for Retinal dystrophy. Last evaluated: 2022-01-01. Review status: criteria provided, single submitter. Criteria: ACMG Guidelines, 2015. Collection method: clinical testing. Allele origin: germline. Affected: yes.

Sharon lab, Hadassah-Hebrew University Medical Center
Classification: Pathogenic for Bardet-Biedl syndrome. Last evaluated: 2019-06-23. Review status: no assertion criteria provided. Collection method: research. Allele origin: inherited. Affected: yes. Not counted in ClinVar's aggregate classification.

OMIM
Classification: Pathogenic for BARDET-BIEDL SYNDROME 3. Last evaluated: 2004-09-01. Review status: no assertion criteria provided. Collection method: literature only. Allele origin: germline. Not counted in ClinVar's aggregate classification.

Literature cited by the submitters: PubMed 15258860 (cited by Labcorp Genetics (formerly Invitae), Labcorp and Institute of Human Genetics, Univ. Regensburg, Univ. Regensburg); PubMed 19858128 (cited by Labcorp Genetics (formerly Invitae), Labcorp); PubMed 20142850 (cited by Labcorp Genetics (formerly Invitae), Labcorp); PubMed 22334370 (cited by Labcorp Genetics (formerly Invitae), Labcorp); PubMed 27486776 (cited by Labcorp Genetics (formerly Invitae), Labcorp); PubMed 31736247 (cited by Labcorp Genetics (formerly Invitae), Labcorp); PubMed 31456290 (cited by Labcorp Genetics (formerly Invitae), Labcorp and Institute of Human Genetics, Univ. Regensburg, Univ. Regensburg); PubMed 25525159 (cited by Institute of Human Genetics, Univ. Regensburg, Univ. Regensburg); PubMed 31964843 (cited by Institute of Human Genetics, Univ. Regensburg, Univ. Regensburg); Kwitek-Black, A. E., Carmi, R., Duyk, G. M., Buetow, K. H., Elbedour, K., Parvari, R., Yandava, C. N., Stone, E. M., Sheffield, V. C. Linkage of Bardet-Biedl syndrome to chromosome 16q and evidence for non-allelic genetic heterogeneity. Nature Genet. 5: 392-396, 1993. (cited by OMIM); Sheffield, V. C., Carmi, R., Kwitek-Black, A., Rokhlina, T., Nishimura, D., Duyk, G. M., Elbedour, K., Sunden, S. L., Stone, E. M. Identification of a Bardet-Biedl syndrome locus on chromosome 3 and evaluation of an efficient approach to homozygosity mapping. Hum. Molec. Genet. 3: 1331-1335, 1994. (cited by OMIM); Chiang, A. P., Nishimura, D., Searby, C., Elbedour, K., Carmi, R., Ferguson, A. L., Secrist, J., Braun, T., Casavant, T., Stone, E. M., Sheffield, V. C. Comparative genomic analysis identifies an ADP-ribosylation factor-like gene as the cause of Bardet-Biedl syndrome (BBS3). Am. J. Hum. Genet. 75: 475-484, 2004. (cited by OMIM).

NM_001278293.3(ARL6):c.364C>T (p.Arg122Ter)

Gene: ARL6 (ARF like GTPase 6; plus strand). Cytogenetic location: 3q11.2.
Variant type: single nucleotide variant.
Coding change: c.364C>T on transcript NM_001278293.3 (MANE Select); coding-DNA position 364, C replaced by T.
Protein change: p.Arg122Ter; replaces arginine 122 with a stop codon.
Molecular consequence: nonsense. On other transcripts: non-coding transcript variant (7).
Genome position (GRCh38, 1-based): chr3:97,788,004, C>T. VCF-style: chr3-97788004-C-T. GRCh37 (hg19) VCF-style: chr3-97506848-C-T.
Other names: c.364C>T, p.Arg122Ter (NM_001323513.2, NM_001323514.2, NM_032146.5 and 1 more transcripts); short protein forms R122*.
Identifiers: ClinVar variation 2040 (VCV000002040.9), dbSNP rs104893678, ClinGen allele CA252067.